The following is an entry in ClinVar:

NM_005902.4(SMAD3):c.1154G>C (p.Arg385Thr)

Gene: SMAD3 (SMAD family member 3; plus strand). Cytogenetic location: 15q22.33.
Variant type: single nucleotide variant.
Coding change: c.1154G>C on transcript NM_005902.4 (MANE Select); coding-DNA position 1154, G replaced by C.
Protein change: p.Arg385Thr; replaces arginine 385 with threonine.
Molecular consequence: missense variant.
Genome position (GRCh38, 1-based): chr15:67,187,509, G>C. VCF-style: chr15-67187509-G-C. GRCh37 (hg19) VCF-style: chr15-67479847-G-C.
Other names: c.839G>C, p.Arg280Thr (NM_001145102.2); c.1022G>C, p.Arg341Thr (NM_001145103.2); c.569G>C, p.Arg190Thr (NM_001145104.2); short protein forms R385T, R341T, R190T, R280T.
Identifiers: ClinVar variation 263338 (VCV000263338.3), dbSNP rs886038770, ClinGen allele CA10587882.
Genomic context (GRCh38, chr15:67,187,509, plus strand): 5'-AGTTGACCCGAATGTGCACCATCCGCATGAGCTTCGTCAAAGGCTGGGGAGCGGAGTACA[G>C]GTCAGTTATGGGTGCTGCCTACATCAGGGGACCCAACTCCAGGTGACTCTGGACAGCAGA-3'
Protein context (NP_005893.1, residues 375-395): SFVKGWGAEY[Arg385Thr]RQTVTSTPCW

ClinVar aggregate classification (germline): Likely pathogenic (1 of 4 stars; one submission).

Conditions:
Cardiovascular phenotype. Identifiers: MedGen CN230736.

Submission:

Ambry Genetics
Classification: Likely pathogenic for Cardiovascular phenotype. Last evaluated: 2015-09-16. Review status: criteria provided, single submitter. Criteria: Ambry Autosomal Dominant and X-Linked criteria (10/2015). Collection method: clinical testing. Allele origin: germline. Observed: 1 variant allele.
Comment: <span style="font-family:arial,sans-serif; font-size:10pt">The<span style="font-family:arial,sans-serif">c.1154G>Cvariant (also known as p.R385T), located in codingexon8 of the<span style="font-family:arial,sans-serif; font-size:10pt">SMAD3<span style="font-family:arial,sans-serif; font-size:10pt"><span style="font-family:arial,sans-serif; font-size:10pt">gene, results from a G to C substitution at nucleotide position 1154. The amino acid change results inargininetothreonineatcodon385, an amino acid with similar properties. However, this change occurs in the last base pair of codingexon8, which makes it likely to have some effect on normalmRNAsplicing. This variant was not reported in population based cohorts in the following databases: Database of SingleNucleotidePolymorphisms(dbSNP),NHLBIExomeSequencing Project (ESP), and 1000 Genomes Project. In the ESP, this variant was not observed in 6500 samples (13000 alleles) with coverage at this position. Both the nucleotide andamino acid positionsarehighly conserved in available vertebrate species. Using theBDGPandESEfindersplice site prediction tools, this alteration is predicted to weaken the efficiency of the native splice donor site; however, direct evidence is unavailable. In addition, this alteration is predicted to be probably damaging and tolerated byPolyPhenand SIFT<span style="font-family:arial,sans-serif">in<span style="font-family:arial,sans-serif; font-size:10pt">silico<span style="font-family:arial,sans-serif; font-size:10pt"><span style="font-family:arial,sans-serif; font-size:10pt">analyses, respectively.Since sequence variations that alter the last nucleotide of anexonare likely to affect splicing efficiency, this variant is likely to be pathogenic.